The following is an entry in ClinVar:

ClinVar aggregate classification (germline): Uncertain significance. Review status: criteria provided, multiple submitters, no conflicts (2 of 4 stars). 2 submissions from 2 submitters: Uncertain significance (2). Last evaluated 2026-04-16.

Conditions:
Inborn genetic diseases. Identifiers: MedGen C0950123, MeSH D030342.

Submissions (2):

Women's Health and Genetics/Laboratory Corporation of America, LabCorp
Classification: Uncertain significance. Last evaluated: 2026-04-16. Review status: criteria provided, single submitter. Criteria: LabCorp Variant Classification Summary - May 2015. Collection method: clinical testing. Allele origin: germline.
Comment: Variant summary: CCDC88C c.325A>G (p.Arg109Gly) results in a non-conservative amino acid change in the encoded protein sequence. Algorithms developed to predict the effect of missense changes on protein structure and function are either unavailable or do not agree on the potential impact of this missense change. The variant allele was found at a frequency of 1.7e-05 in 239646 control chromosomes. The available data on variant occurrences in the general population are insufficient to allow any conclusion about variant significance. To our knowledge, no occurrence of c.325A>G in individuals affected with CCDC88C-related conditions and no experimental evidence demonstrating its impact on protein function have been reported. ClinVar contains an entry for this variant (Variation ID: 3828912). Based on the evidence outlined above, the variant was classified as uncertain significance.

Ambry Genetics
Classification: Uncertain significance for Inborn genetic diseases. Last evaluated: 2025-01-10. Review status: criteria provided, single submitter. Criteria: Ambry Variant Classification Scheme 2023. Collection method: clinical testing. Allele origin: germline.

NM_001080414.4(CCDC88C):c.325A>G (p.Arg109Gly)

Gene: CCDC88C (coiled-coil and HOOK domain protein 88C; minus strand). Cytogenetic location: 14q32.11.
Variant type: single nucleotide variant.
Coding change: c.325A>G on transcript NM_001080414.4 (MANE Select); coding-DNA position 325, A replaced by G.
Protein change: p.Arg109Gly; replaces arginine 109 with glycine.
Molecular consequence: missense variant. On other transcripts: non-coding transcript variant (2).
Genome position (GRCh38, 1-based): chr14:91,359,657, T>C on the plus strand (A>G on the coding strand, the complement: CCDC88C is on the minus strand). VCF-style: chr14-91359657-T-C. GRCh37 (hg19) VCF-style: chr14-91826001-T-C.
Other names: short protein forms R109G.
Identifiers: ClinVar variation 3828912 (VCV003828912.2).